The following is an entry in ClinVar:

ClinVar aggregate classification (germline): Conflicting classifications of pathogenicity. Review status: criteria provided, conflicting classifications (1 of 4 stars). 2 submissions from 2 submitters: Likely pathogenic (1); Uncertain significance (1). Last evaluated 2023-12-14.

Conditions:
Dilated cardiomyopathy 1G (CMD1G). Identifiers: Orphanet 154, MedGen C1858763, MONDO:0011400, OMIM 604145.
Autosomal recessive limb-girdle muscular dystrophy type 2J (LGMDR10). Also called: MUSCULAR DYSTROPHY, LIMB-GIRDLE, AUTOSOMAL RECESSIVE 10; Limb-girdle muscular dystrophy, type 2J. Identifiers: Orphanet 140922, MedGen C1837342, MONDO:0012127, OMIM 608807.

Allele frequency attached by ClinVar (database versions not stated): ExAC 0.00001.
gnomAD v4.1: 2 of 1,611,816 alleles (0.00012%); highest among the groups gnomAD compares: Non-Finnish European, 0.00017%; no homozygotes.

Submissions (2):

Labcorp Genetics (formerly Invitae), Labcorp
Classification: Likely pathogenic for Dilated cardiomyopathy 1G; Autosomal recessive limb-girdle muscular dystrophy type 2J. Last evaluated: 2023-12-14. Review status: criteria provided, single submitter. Criteria: Invitae Variant Classification Sherloc (09022015). Collection method: clinical testing. Allele origin: germline.
Comment: This sequence change affects a donor splice site in intron 211 of the TTN gene. It is expected to disrupt RNA splicing and likely results in a truncated or disrupted TTN protein. This variant is present in population databases (rs749931280, gnomAD 0.0009%). Disruption of this splice site has been observed in individual(s) with autosomal recessive congenital myopathy (Invitae). This variant has been reported in individual(s) with autosomal dominant cardiomyopathy (Invitae); however, the role of the variant in this condition is currently unclear. ClinVar contains an entry for this variant (Variation ID: 499026). Algorithms developed to predict the effect of sequence changes on RNA splicing suggest that this variant may disrupt the consensus splice site. This variant is located in the I band of TTN (PMID: 25589632). Truncating variants in this region have been reported in individuals affected with autosomal recessive centronuclear myopathy (PMID: 23975875). Truncating variants in this region have also been identified in individuals affected with autosomal dominant dilated cardiomyopathy and/or cardio-related conditions (PMID: 27869827, 32964742). In summary, the currently available evidence indicates that the variant is pathogenic, but additional data are needed to prove that conclusively. Therefore, this variant has been classified as Likely Pathogenic.

Eurofins Ntd Llc (ga)
Classification: Uncertain significance. Last evaluated: 2017-01-03. Review status: criteria provided, single submitter. Criteria: EGL Classification Definitions 2015. Collection method: clinical testing. Allele origin: germline. Observed: 1 variant allele, 1 heterozygote.

Literature cited by the submitters: PubMed 25589632 (cited by Labcorp Genetics (formerly Invitae), Labcorp); PubMed 23975875 (cited by Labcorp Genetics (formerly Invitae), Labcorp); PubMed 27869827 (cited by Labcorp Genetics (formerly Invitae), Labcorp); PubMed 32964742 (cited by Labcorp Genetics (formerly Invitae), Labcorp).

NM_001267550.2(TTN):c.39895+1G>A

Gene: TTN (titin; minus strand). Cytogenetic location: 2q31.2.
Variant type: single nucleotide variant.
Coding change: c.39895+1G>A on transcript NM_001267550.2 (MANE Select); the canonical splice donor site of the intron after coding-DNA position 39895, G replaced by A.
Molecular consequence: splice donor variant. On other transcripts: intron variant (3).
Genome position (GRCh38, 1-based): chr2:178,649,816, C>T on the plus strand (G>A on the coding strand, the complement: TTN is on the minus strand). VCF-style: chr2-178649816-C-T. GRCh37 (hg19) VCF-style: chr2-179514543-C-T.
Other names: c.13283-7499G>A (NM_003319.4); c.13859-7499G>A (NM_133437.4); c.13658-7499G>A (NM_133432.3); c.32593+1G>A (NM_133378.4); c.35374+1G>A (NM_001256850.1).
Identifiers: ClinVar variation 499026 (VCV000499026.8), dbSNP rs749931280, ClinGen allele CA1996565.